The following is an entry in ClinVar:

NM_016343.4(CENPF):c.5571C>A (p.Leu1857=)

Gene: CENPF (centromere protein F; plus strand). Cytogenetic location: 1q41.
Variant type: single nucleotide variant.
Coding change: c.5571C>A on transcript NM_016343.4 (MANE Select); coding-DNA position 5571, C replaced by A.
Protein change: p.Leu1857=; no amino-acid change (leucine 1857 retained).
Molecular consequence: synonymous variant.
Genome position (GRCh38, 1-based): chr1:214,645,141, C>A. VCF-style: chr1-214645141-C-A. GRCh37 (hg19) VCF-style: chr1-214818484-C-A.
Identifiers: ClinVar variation 3046972 (VCV003046972.2), dbSNP rs143325962, ClinGen allele CA1390811.

ClinVar aggregate classification (germline): Likely benign (0 of 4 stars; one submission).

Conditions:
CENPF-related disorder. Also called: CENPF-related condition.

Allele frequency attached by ClinVar (database versions not stated): gnomAD exomes 0.00002; ExAC 0.00006; ESP Exome Variant Server 0.00015; gnomAD 0.00017; 1000 Genomes Project 0.00020; TOPMed 0.00023; 1000 Genomes Project 30x 0.00031.
gnomAD v4.1: 53 of 1,613,808 alleles (0.0033%); highest among the groups gnomAD compares: African/African-American, 0.056%; no homozygotes.

Submission:

PreventionGenetics, part of Exact Sciences
Classification: Likely benign for CENPF-related condition. Last evaluated: 2023-08-03. Review status: no assertion criteria provided. Collection method: clinical testing. Allele origin: germline.
Comment: This variant is classified as likely benign based on ACMG/AMP sequence variant interpretation guidelines (Richards et al. 2015 PMID: 25741868, with internal and published modifications).